The following is an entry in ClinVar:

ClinVar aggregate classification (germline): Likely pathogenic (1 of 4 stars; one submission).

Submission:

GeneDx
Classification: Likely pathogenic. Last evaluated: 2021-12-10. Review status: criteria provided, single submitter. Criteria: GeneDx Variant Classification Process June 2021. Collection method: clinical testing. Allele origin: germline. Affected: yes.
Comment: Not observed in large population cohorts (Lek et al., 2016); In silico analysis, which includes protein predictors and evolutionary conservation, supports a deleterious effect; The majority of missense variants in this gene are considered pathogenic (Stenson et al., 2014); Has not been previously published as pathogenic or benign to our knowledge; This variant is associated with the following publications: (PMID: 24860126)

NM_006009.4(TUBA1A):c.485G>T (p.Gly162Val)

Gene: TUBA1A (tubulin alpha 1a; minus strand). Cytogenetic location: 12q13.12.
Variant type: single nucleotide variant.
Coding change: c.485G>T on transcript NM_006009.4 (MANE Select); coding-DNA position 485, G replaced by T.
Protein change: p.Gly162Val; replaces glycine 162 with valine.
Molecular consequence: missense variant.
Genome position (GRCh38, 1-based): chr12:49,185,881, C>A on the plus strand (G>T on the coding strand, the complement: TUBA1A is on the minus strand). VCF-style: chr12-49185881-C-A. GRCh37 (hg19) VCF-style: chr12-49579664-C-A.
Other names: c.485G>T, p.Gly162Val (NM_001270399.2); c.380G>T, p.Gly127Val (NM_001270400.2); short protein forms G127V, G162V.
Identifiers: ClinVar variation 1304433 (VCV001304433.3), dbSNP rs2121244807, ClinGen allele CA384642281.
Genomic context (GRCh38, chr12:49,185,881, plus strand): 5'-ACTACAGCTGTGGAAACCTGGGGCGCCGGGTAAATAGAGAACTCCAGCTTGGACTTCTTG[C>A]CATAATCAACTGAGAGACGTTCCATGAGCAGCGAGGTGAACCCAGAACCAGTTCCCCCAC-3'
Protein context (NP_006000.2, residues 152-172): LLMERLSVDY[Gly162Val]KKSKLEFSIY